The following is an entry in ClinVar:

ClinVar aggregate classification (germline): Uncertain significance (1 of 4 stars; one submission).

Conditions:
Hereditary cancer-predisposing syndrome. Also called: Tumor predisposition; Hereditary neoplastic syndrome; Hereditary Cancer Syndrome; Neoplastic Syndromes, Hereditary. Identifiers: Orphanet 140162, MedGen C0027672, MeSH D009386, MONDO:0015356.

Submission:

Ambry Genetics
Classification: Uncertain significance for Hereditary cancer-predisposing syndrome. Last evaluated: 2022-12-05. Review status: criteria provided, single submitter. Criteria: Ambry Variant Classification Scheme 2023. Collection method: clinical testing. Allele origin: germline.
Comment: The p.F769L variant (also known as c.2307T>A), located in coding exon 9 of the AXIN2 gene, results from a T to A substitution at nucleotide position 2307. The phenylalanine at codon 769 is replaced by leucine, an amino acid with highly similar properties. This amino acid position is conserved. In addition, the in silico prediction for this alteration is inconclusive. Since supporting evidence is limited at this time, the clinical significance of this alteration remains unclear.

NM_004655.4(AXIN2):c.2307T>A (p.Phe769Leu)

Gene: AXIN2 (axin 2; minus strand). Cytogenetic location: 17q24.1.
Variant type: single nucleotide variant.
Coding change: c.2307T>A on transcript NM_004655.4 (MANE Select); coding-DNA position 2307, T replaced by A.
Protein change: p.Phe769Leu; replaces phenylalanine 769 with leucine.
Molecular consequence: missense variant.
Genome position (GRCh38, 1-based): chr17:65,534,010, A>T on the plus strand (T>A on the coding strand, the complement: AXIN2 is on the minus strand). VCF-style: chr17-65534010-A-T. GRCh37 (hg19) VCF-style: chr17-63530128-A-T.
Other names: c.2112T>A, p.Phe704Leu (NM_001363813.1); short protein forms F704L, F769L.
Identifiers: ClinVar variation 3224396 (VCV003224396.1), dbSNP rs2509389474, ClinGen allele CA400675542.
Genomic context (GRCh38, chr17:65,534,010, plus strand): 5'-GCCCAGGGTCAAGCTCTGAGCCTTCAGCATCCTCCGGTATGGAATTTCTTCCCCACAGAA[A>T]AAGTAAGTGACAACCAACTCACTGGCCTGGAGCGCGTGGACACCTGCCAGTTTCTTTGGC-3'
Protein context (NP_004646.3, residues 759-779): LQASELVVTY[Phe769Leu]FCGEEIPYRR